The following is an entry in ClinVar:

NM_020778.5(ALPK3):c.910C>T (p.Pro304Ser)

Gene: ALPK3 (alpha kinase 3; plus strand). Cytogenetic location: 15q25.3.
Variant type: single nucleotide variant.
Coding change: c.910C>T on transcript NM_020778.5 (MANE Select); coding-DNA position 910, C replaced by T.
Protein change: p.Pro304Ser; replaces proline 304 with serine.
Molecular consequence: missense variant.
Genome position (GRCh38, 1-based): chr15:84,840,189, C>T. VCF-style: chr15-84840189-C-T. GRCh37 (hg19) VCF-style: chr15-85383420-C-T.
Other names: short protein forms P304S.
Identifiers: ClinVar variation 2625921 (VCV002625921.2), dbSNP rs770929209, ClinGen allele CA7709094.

ClinVar aggregate classification (germline): Uncertain significance (1 of 4 stars; one submission).

Conditions:
Cardiovascular phenotype. Identifiers: MedGen CN230736.

Allele frequency attached by ClinVar (database versions not stated): TOPMed below 0.00001; ExAC 0.00001; gnomAD exomes 0.00001.

Submission:

Ambry Genetics
Classification: Uncertain significance for Cardiovascular phenotype. Last evaluated: 2023-07-27. Review status: criteria provided, single submitter. Criteria: Ambry Variant Classification Scheme 2023. Collection method: clinical testing. Allele origin: germline.
Comment: The p.P506S variant (also known as c.1516C>T), located in coding exon 5 of the ALPK3 gene, results from a C to T substitution at nucleotide position 1516. The proline at codon 506 is replaced by serine, an amino acid with similar properties. This amino acid position is conserved. In addition, this alteration is predicted to be tolerated by in silico analysis. Since supporting evidence is limited at this time, the clinical significance of this alteration remains unclear.